The following is an entry in ClinVar:

ClinVar aggregate classification (germline): Uncertain significance (1 of 4 stars; one submission).

Conditions:
Methylmalonic acidemia due to transcobalamin receptor defect (MATR). Also called: METHYLMALONIC ACIDEMIA, TCblR TYPE; METHYLMALONIC ACIDURIA, TRANSIENT, DUE TO TRANSCOBALAMIN RECEPTOR DEFECT. Identifiers: Orphanet 280183, MedGen C4749905, MONDO:0013341, OMIM 613646.

Allele frequency attached by ClinVar (database versions not stated): gnomAD exomes below 0.00001; TOPMed 0.00001; ExAC 0.00002.

Submission:

Labcorp Genetics (formerly Invitae), Labcorp
Classification: Uncertain significance for Methylmalonic acidemia due to transcobalamin receptor defect. Last evaluated: 2020-02-02. Review status: criteria provided, single submitter. Criteria: Invitae Variant Classification Sherloc (09022015). Collection method: clinical testing. Allele origin: germline.
Comment: This sequence change replaces arginine with cysteine at codon 151 of the CD320 protein (p.Arg151Cys). The arginine residue is moderately conserved and there is a large physicochemical difference between arginine and cysteine. In summary, the available evidence is currently insufficient to determine the role of this variant in disease. Therefore, it has been classified as a Variant of Uncertain Significance. Algorithms developed to predict the effect of missense changes on protein structure and function (SIFT, PolyPhen-2, Align-GVGD) all suggest that this variant is likely to be disruptive, but these predictions have not been confirmed by published functional studies and their clinical significance is uncertain. This variant has not been reported in the literature in individuals with CD320-related conditions. This variant is present in population databases (rs769150463, ExAC 0.02%).

NM_016579.4(CD320):c.451C>T (p.Arg151Cys)

Gene: CD320 (CD320 molecule; minus strand). Cytogenetic location: 19p13.2.
Variant type: single nucleotide variant.
Coding change: c.451C>T on transcript NM_016579.4 (MANE Select); coding-DNA position 451, C replaced by T.
Protein change: p.Arg151Cys; replaces arginine 151 with cysteine.
Molecular consequence: missense variant.
Genome position (GRCh38, 1-based): chr19:8,303,906, G>A on the plus strand (C>T on the coding strand, the complement: CD320 is on the minus strand). VCF-style: chr19-8303906-G-A. GRCh37 (hg19) VCF-style: chr19-8368790-G-A.
Other names: c.325C>T, p.Arg109Cys (NM_001165895.2); short protein forms R109C, R151C.
Identifiers: ClinVar variation 1018004 (VCV001018004.9), dbSNP rs769150463, ClinGen allele CA9154733.